The following is an entry in ClinVar:

ClinVar aggregate classification (germline): Uncertain significance (1 of 4 stars; one submission).

Conditions:
Neurofibromatosis, type 1 (NF1). Also called: VON RECKLINGHAUSEN DISEASE; Neurofibromatosis, type I; Peripheral type neurofibromatosis; NEUROFIBROMATOSIS, TYPE I, SOMATIC. Identifiers: Orphanet 636, MedGen C0027831, MONDO:0018975, OMIM 162200. Disease mechanism: loss of function.

Submission:

Labcorp Genetics (formerly Invitae), Labcorp
Classification: Uncertain significance for Neurofibromatosis, type 1. Last evaluated: 2023-05-04. Review status: criteria provided, single submitter. Criteria: Invitae Variant Classification Sherloc (09022015). Collection method: clinical testing. Allele origin: unknown.
Comment: In summary, the available evidence is currently insufficient to determine the role of this variant in disease. Therefore, it has been classified as a Variant of Uncertain Significance. This variant has not been reported in the literature in individuals affected with NF1-related conditions. This variant results in a copy number gain of the genomic region encompassing exon(s) 43-57 of the NF1 gene. This region includes the termination codon of the gene. This copy number gain extends beyond the assayed region for this gene and therefore may encompass additional genes. As the precise location of this event is unknown, it may be in tandem or it may be located elsewhere in the genome.

NC_000017.10:g.(?_29664827)_(29701173_?)dup

Gene: NF1 (neurofibromin 1; plus strand). Cytogenetic location: 17q11.2.
Variant type: Duplication.
Identifiers: ClinVar variation 3242897 (VCV003242897.1).